The following is an entry in ClinVar:

NM_017636.4(TRPM4):c.3132-1G>A

Gene: TRPM4 (transient receptor potential cation channel subfamily M member 4; plus strand). Cytogenetic location: 19q13.33.
Variant type: single nucleotide variant.
Coding change: c.3132-1G>A on transcript NM_017636.4 (MANE Select); the canonical splice acceptor site of the intron before coding-DNA position 3132, G replaced by A.
Molecular consequence: splice acceptor variant.
Genome position (GRCh38, 1-based): chr19:49,210,208, G>A. VCF-style: chr19-49210208-G-A. GRCh37 (hg19) VCF-style: chr19-49713465-G-A.
Other names: c.2697-1G>A (NM_001195227.2); c.1524-1G>A (NM_001321282.2); c.2787-1G>A (NM_001321281.2); c.2610-1G>A (NM_001321283.2); c.2070-1G>A (NM_001321285.2).
Identifiers: ClinVar variation 4278523 (VCV004278523.2).

ClinVar aggregate classification (germline): Uncertain significance. Review status: criteria provided, multiple submitters, no conflicts (2 of 4 stars). 2 submissions from 2 submitters: Uncertain significance (2). Last evaluated 2025-04-03.

gnomAD v4.1: 1 of 1,614,226 alleles (0.000062%); no homozygotes.

Submissions (2):

GeneDx
Classification: Uncertain significance. Last evaluated: 2025-04-03. Review status: criteria provided, single submitter. Criteria: GeneDx Variant Classification Process June 2021. Collection method: clinical testing. Allele origin: germline. Affected: yes.
Comment: Not observed at significant frequency in large population cohorts (gnomAD); Canonical splice site variant in a gene or region of a gene for which loss of function is not a well-established mechanism of disease; Has not been previously published as pathogenic or benign to our knowledge

Blueprint Genetics
Classification: Uncertain significance. Last evaluated: 2020-09-12. Review status: criteria provided, single submitter. Criteria: ACMG Guidelines, 2015. Collection method: clinical testing. Allele origin: germline.